The following is an entry in ClinVar:

NM_002069.6(GNAI1):c.167T>C (p.Ile56Thr)

Gene: GNAI1 (G protein subunit alpha i1; plus strand). Cytogenetic location: 7q21.11.
Variant type: single nucleotide variant.
Coding change: c.167T>C on transcript NM_002069.6 (MANE Select); coding-DNA position 167, T replaced by C.
Protein change: p.Ile56Thr; replaces isoleucine 56 with threonine.
Molecular consequence: missense variant.
Genome position (GRCh38, 1-based): chr7:80,189,095, T>C. VCF-style: chr7-80189095-T-C. GRCh37 (hg19) VCF-style: chr7-79818411-T-C.
Other names: c.11T>C, p.Ile4Thr (NM_001256414.2); short protein forms I4T, I56T.
Identifiers: ClinVar variation 3371322 (VCV003371322.1).

ClinVar aggregate classification (germline): Uncertain significance (1 of 4 stars; one submission).

Submission:

GeneDx
Classification: Uncertain significance. Last evaluated: 2024-03-21. Review status: criteria provided, single submitter. Criteria: GeneDx Variant Classification Process June 2021. Collection method: clinical testing. Allele origin: germline. Affected: yes.
Comment: Not observed at significant frequency in large population cohorts (gnomAD); In silico analysis supports that this missense variant has a deleterious effect on protein structure/function; Has not been previously published as pathogenic or benign to our knowledge